The following is an entry in ClinVar:

ClinVar aggregate classification (germline): Pathogenic (1 of 4 stars; one submission).

Submission:

Labcorp Genetics (formerly Invitae), Labcorp
Classification: Pathogenic. Last evaluated: 2023-04-11. Review status: criteria provided, single submitter. Criteria: Invitae Variant Classification Sherloc (09022015). Collection method: clinical testing. Allele origin: germline.
Comment: For these reasons, this variant has been classified as Pathogenic. This variant has not been reported in the literature in individuals affected with SLC26A4-related conditions. This variant is not present in population databases (gnomAD no frequency). This sequence change creates a premature translational stop signal (p.Val671Leufs*3) in the SLC26A4 gene. It is expected to result in an absent or disrupted protein product. Loss-of-function variants in SLC26A4 are known to be pathogenic (PMID: 16283880, 25394566, 26252218, 26445815).

Literature cited by the submitters: PubMed 16283880; PubMed 25394566; PubMed 26252218; PubMed 26445815.

NM_000441.2(SLC26A4):c.2010del (p.Val671fs)

Gene: SLC26A4 (solute carrier family 26 member 4; plus strand). Cytogenetic location: 7q22.3.
Variant type: Deletion.
Coding change: c.2010del on transcript NM_000441.2 (MANE Select); coding-DNA position 2010, one base deleted (T; older notation c.2010delT).
Protein change: p.Val671fs; shifts the reading frame from valine 671.
Molecular consequence: frameshift variant.
Genome position (GRCh38, 1-based): chr7:107,702,033, T deleted; the last of 2 consecutive T bases (chr7:107,702,032-107,702,033); deleting either gives the same sequence. VCF-style (leftmost placement, unchanged base first): chr7-107702031-GT-G. GRCh37 (hg19) VCF-style: chr7-107342476-GT-G.
Other names: short protein forms V671fs.
Identifiers: ClinVar variation 2855048 (VCV002855048.3), dbSNP rs2535338424, ClinGen allele CA2739278919.